The following is an entry in ClinVar:

NM_006904.7(PRKDC):c.2389G>A (p.Asp797Asn)

Gene: PRKDC (protein kinase, DNA-activated, catalytic subunit; minus strand). Cytogenetic location: 8q11.21.
Variant type: single nucleotide variant.
Coding change: c.2389G>A on transcript NM_006904.7 (MANE Select); coding-DNA position 2389, G replaced by A.
Protein change: p.Asp797Asn; replaces aspartic acid 797 with asparagine.
Molecular consequence: missense variant.
Genome position (GRCh38, 1-based): chr8:47,927,224, C>T on the plus strand (G>A on the coding strand, the complement: PRKDC is on the minus strand). VCF-style: chr8-47927224-C-T. GRCh37 (hg19) VCF-style: chr8-48839784-C-T.
Other names: c.2389G>A, p.Asp797Asn (NM_001081640.2); short protein forms D797N.
Identifiers: ClinVar variation 2449901 (VCV002449901.2), dbSNP rs2551878119, ClinGen allele CA371161700.

ClinVar aggregate classification (germline): Uncertain significance (1 of 4 stars; one submission).

Submission:

Ambry Genetics
Classification: Uncertain significance. Last evaluated: 2023-02-28. Review status: criteria provided, single submitter. Criteria: Ambry Variant Classification Scheme 2023. Collection method: clinical testing. Allele origin: germline.
Comment: The p.D797N variant (also known as c.2389G>A), located in coding exon 21 of the PRKDC gene, results from a G to A substitution at nucleotide position 2389. The aspartic acid at codon 797 is replaced by asparagine, an amino acid with highly similar properties. This amino acid position is conserved. In addition, this alteration is predicted to be tolerated by in silico analysis. Since supporting evidence is limited at this time, the clinical significance of this alteration remains unclear.